The following is an entry in ClinVar:

NM_002474.3(MYH11):c.1902G>A (p.Met634Ile)

Gene: MYH11 (myosin heavy chain 11; minus strand). Cytogenetic location: 16p13.11.
Variant type: single nucleotide variant.
Coding change: c.1902G>A on transcript NM_002474.3 (MANE Select); coding-DNA position 1902, G replaced by A.
Protein change: p.Met634Ile; replaces methionine 634 with isoleucine.
Molecular consequence: missense variant.
Genome position (GRCh38, 1-based): chr16:15,750,294, C>T on the plus strand (G>A on the coding strand, the complement: MYH11 is on the minus strand). VCF-style: chr16-15750294-C-T. GRCh37 (hg19) VCF-style: chr16-15844151-C-T.
Other names: c.1923G>A, p.Met641Ile (NM_001040113.2, NM_001040114.2); c.1902G>A, p.Met634Ile (NM_022844.3); short protein forms M634I, M641I.
Identifiers: ClinVar variation 4114587 (VCV004114587.1).

ClinVar aggregate classification (germline): Uncertain significance (1 of 4 stars; one submission).

Conditions:
Familial thoracic aortic aneurysm and aortic dissection (TAAD). Also called: Thoracic aortic aneurysms and dissections. Identifiers: Orphanet 91387, MedGen C4707243, MONDO:0019625.

Submission:

Ambry Genetics
Classification: Uncertain significance for Familial thoracic aortic aneurysm and aortic dissection. Last evaluated: 2025-07-21. Review status: criteria provided, single submitter. Criteria: Ambry Variant Classification Scheme 2023. Collection method: clinical testing. Allele origin: germline.
Comment: The p.M634I variant (also known as c.1902G>A), located in coding exon 15 of the MYH11 gene, results from a G to A substitution at nucleotide position 1902. The methionine at codon 634 is replaced by isoleucine, an amino acid with highly similar properties. This amino acid position is conserved. In addition, the in silico prediction for this alteration is inconclusive. Based on the available evidence, the clinical significance of this variant remains unclear.